The following is an entry in ClinVar:

ClinVar aggregate classification (germline): Uncertain significance (1 of 4 stars; one submission).

Conditions:
Severe early-onset pulmonary alveolar proteinosis due to MARS deficiency. Also called: Interstitial lung and liver disease; PULMONARY ALVEOLAR PROTEINOSIS, REUNION ISLAND. Identifiers: Orphanet 440427, MedGen C4225400, MONDO:0014206, OMIM 615486.
Charcot-Marie-Tooth disease axonal type 2U. Also called: CHARCOT-MARIE-TOOTH NEUROPATHY, TYPE 2U; CHARCOT-MARIE-TOOTH DISEASE, AXONAL, AUTOSOMAL DOMINANT, TYPE 2U. Identifiers: Orphanet 397735, MedGen C4084821, MONDO:0014566, OMIM 616280.

gnomAD v4.1: 2 of 1,607,710 alleles (0.00012%); highest among the groups gnomAD compares: East Asian, 0.0045%; no homozygotes.

Submission:

Labcorp Genetics (formerly Invitae), Labcorp
Classification: Uncertain significance for Charcot-Marie-Tooth disease axonal type 2U; Severe early-onset pulmonary alveolar proteinosis due to MARS deficiency. Last evaluated: 2024-04-12. Review status: criteria provided, single submitter. Criteria: Invitae Variant Classification Sherloc (09022015). Collection method: clinical testing. Allele origin: germline.
Comment: This sequence change replaces cysteine, which is neutral and slightly polar, with phenylalanine, which is neutral and non-polar, at codon 38 of the MARS protein (p.Cys38Phe). This variant is not present in population databases (gnomAD no frequency). This variant has not been reported in the literature in individuals affected with MARS-related conditions. An algorithm developed to predict the effect of missense changes on protein structure and function (PolyPhen-2) suggests that this variant is likely to be tolerated. In summary, the available evidence is currently insufficient to determine the role of this variant in disease. Therefore, it has been classified as a Variant of Uncertain Significance.

NM_004990.4(MARS1):c.113G>T (p.Cys38Phe)

Gene: MARS1 (methionyl-tRNA synthetase 1; plus strand). Cytogenetic location: 12q13.3.
Variant type: single nucleotide variant.
Coding change: c.113G>T on transcript NM_004990.4 (MANE Select); coding-DNA position 113, G replaced by T.
Protein change: p.Cys38Phe; replaces cysteine 38 with phenylalanine.
Molecular consequence: missense variant.
Genome position (GRCh38, 1-based): chr12:57,489,022, G>T. VCF-style: chr12-57489022-G-T. GRCh37 (hg19) VCF-style: chr12-57882805-G-T.
Other names: short protein forms C38F.
Identifiers: ClinVar variation 3755816 (VCV003755816.2).